The following is an entry in ClinVar:

ClinVar aggregate classification (germline): Pathogenic (1 of 4 stars; one submission).

Conditions:
Fanconi anemia (FA). Also called: Fanconi's anemia. Identifiers: Orphanet 84, MedGen C0015625, MeSH D005199, MONDO:0019391.

Submission:

Labcorp Genetics (formerly Invitae), Labcorp
Classification: Pathogenic for Fanconi anemia. Last evaluated: 2021-08-12. Review status: criteria provided, single submitter. Criteria: Invitae Variant Classification Sherloc (09022015). Collection method: clinical testing. Allele origin: germline.
Comment: This variant is a gross deletion of the genomic region encompassing exon(s) 3-6 of the FANCA gene. This deletion is out-of-frame, and is expected to create a premature termination codon and result in an absent or disrupted protein product. Loss-of-function variants in FANCA are known to be pathogenic (PMID: 19367192). A similar copy number variant has been observed in individual(s) with Fanconi anemia (PMID: 15523645, 29098742). For these reasons, this variant has been classified as Pathogenic.

Literature cited by the submitters: PubMed 19367192; PubMed 15523645; PubMed 29098742.

NC_000016.9:g.(?_89874692)_(89881031_?)del

Gene: FANCA (FA complementation group A; minus strand). Cytogenetic location: 16q24.3.
Variant type: Deletion.
Identifiers: ClinVar variation 1459283 (VCV001459283.5).